The following is an entry in ClinVar:

ClinVar aggregate classification (germline): Uncertain significance (1 of 4 stars; one submission).

gnomAD v4.1: 206 of 1,613,942 alleles (0.013%); highest among the groups gnomAD compares: Non-Finnish European, 0.017%; no homozygotes.

Submission:

Labcorp Genetics (formerly Invitae), Labcorp
Classification: Uncertain significance. Last evaluated: 2025-11-06. Review status: criteria provided, single submitter. Criteria: Invitae Variant Classification Sherloc (09022015). Collection method: clinical testing. Allele origin: germline.
Comment: This sequence change replaces threonine, which is neutral and polar, with isoleucine, which is neutral and non-polar, at codon 1137 of the IGSF10 protein (p.Thr1137Ile). The frequency data for this variant in the population databases is considered unreliable, as metrics indicate poor data quality at this position in the gnomAD database. This variant has not been reported in the literature in individuals affected with IGSF10-related conditions. An algorithm developed to predict the effect of missense changes on protein structure and function outputs the following: PolyPhen-2: "Benign". The isoleucine amino acid residue is found in multiple mammalian species, which suggests that this missense change does not adversely affect protein function. In summary, the available evidence is currently insufficient to determine the role of this variant in disease. Therefore, it has been classified as a Variant of Uncertain Significance.

NM_178822.5(IGSF10):c.3410C>T (p.Thr1137Ile)

Gene: IGSF10 (immunoglobulin superfamily member 10; minus strand). Cytogenetic location: 3q25.1.
Variant type: single nucleotide variant.
Coding change: c.3410C>T on transcript NM_178822.5 (MANE Select); coding-DNA position 3410, C replaced by T.
Protein change: p.Thr1137Ile; replaces threonine 1137 with isoleucine.
Molecular consequence: missense variant.
Genome position (GRCh38, 1-based): chr3:151,446,571, G>A on the plus strand (C>T on the coding strand, the complement: IGSF10 is on the minus strand). VCF-style: chr3-151446571-G-A. GRCh37 (hg19) VCF-style: chr3-151164359-G-A.
Other names: c.3410C>T, p.Thr1137Ile (NM_001385060.1, NM_001385061.1, NM_001385062.1 and 1 more transcripts); short protein forms T1137I.
Identifiers: ClinVar variation 4752435 (VCV004752435.1).